The following is an entry in ClinVar:

NM_145290.4(ADGRA3):c.3664A>G (p.Arg1222Gly)

Gene: ADGRA3 (adhesion G protein-coupled receptor A3; minus strand). Cytogenetic location: 4p15.2.
Variant type: single nucleotide variant.
Coding change: c.3664A>G on transcript NM_145290.4 (MANE Select); coding-DNA position 3664, A replaced by G.
Protein change: p.Arg1222Gly; replaces arginine 1222 with glycine.
Molecular consequence: missense variant.
Genome position (GRCh38, 1-based): chr4:22,388,007, T>C on the plus strand (A>G on the coding strand, the complement: ADGRA3 is on the minus strand). VCF-style: chr4-22388007-T-C. GRCh37 (hg19) VCF-style: chr4-22389630-T-C.
Other names: c.3664A>G (NM_145290.2); short protein forms R1222G.
Identifiers: ClinVar variation 1026958 (VCV001026958.8), dbSNP rs760737507, ClinGen allele CA2873320.

ClinVar aggregate classification (germline): Uncertain significance. Review status: criteria provided, multiple submitters, no conflicts (2 of 4 stars). 2 submissions from 2 submitters: Uncertain significance (2). Last evaluated 2025-12-22.

Allele frequency attached by ClinVar (database versions not stated): ExAC 0.00001; gnomAD exomes 0.00001; gnomAD 0.00009 and 0.00010; TOPMed 0.00023.
gnomAD v4.1: 29 of 1,614,068 alleles (0.0018%); highest among the groups gnomAD compares: Admixed American, 0.037%; no homozygotes.

Submissions (2):

Labcorp Genetics (formerly Invitae), Labcorp
Classification: Uncertain significance. Last evaluated: 2025-12-22. Review status: criteria provided, single submitter. Criteria: Invitae Variant Classification Sherloc (09022015). Collection method: clinical testing. Allele origin: germline.
Comment: This sequence change replaces arginine, which is basic and polar, with glycine, which is neutral and non-polar, at codon 1222 of the ADGRA3 protein (p.Arg1222Gly). This variant is present in population databases (rs760737507, gnomAD 0.006%). This variant has not been reported in the literature in individuals affected with ADGRA3-related conditions. ClinVar contains an entry for this variant (Variation ID: 1026958). An algorithm developed to predict the effect of missense changes on protein structure and function (PolyPhen-2) suggests that this variant is likely to be tolerated. In summary, the available evidence is currently insufficient to determine the role of this variant in disease. Therefore, it has been classified as a Variant of Uncertain Significance.

Ambry Genetics
Classification: Uncertain significance. Last evaluated: 2024-12-07. Review status: criteria provided, single submitter. Criteria: Ambry Variant Classification Scheme 2023. Collection method: clinical testing. Allele origin: germline.